The following is an entry in ClinVar:

ClinVar aggregate classification (germline): Uncertain significance. Review status: criteria provided, multiple submitters, no conflicts (2 of 4 stars). 3 submissions from 3 submitters: Uncertain significance (3). Last evaluated 2025-08-25.

Conditions:
Tuberous sclerosis 1 (TSC1). Identifiers: Orphanet 805, MedGen C1854465, MONDO:0008612, OMIM 191100.
Tuberous sclerosis syndrome (TSC). Also called: Tuberous Sclerosis Complex; Tuberous sclerosis. Identifiers: Orphanet 805, MedGen C0041341, MONDO:0001734.

Submissions (3):

Color Diagnostics, LLC DBA Color Health
Classification: Uncertain significance for Tuberous sclerosis syndrome. Last evaluated: 2025-08-25. Review status: criteria provided, single submitter. Criteria: ACMG Guidelines, 2015. Collection method: clinical testing. Allele origin: germline.
Comment: This missense variant replaces proline with leucine at codon 418 of the TSC1 protein. Computational prediction suggests that this variant may not impact protein structure and function. To our knowledge, functional studies have not been reported for this variant. This variant has not been reported in individuals affected with TSC1-related disorders in the literature. This variant has not been identified in the general population by the Genome Aggregation Database (gnomAD). The available evidence is insufficient to determine the role of this variant in disease conclusively. Therefore, this variant is classified as a Variant of Uncertain Significance.

Labcorp Genetics (formerly Invitae), Labcorp
Classification: Uncertain significance for Tuberous sclerosis 1. Last evaluated: 2024-10-20. Review status: criteria provided, single submitter. Criteria: Invitae Variant Classification Sherloc (09022015). Collection method: clinical testing. Allele origin: germline.
Comment: This sequence change replaces proline, which is neutral and non-polar, with leucine, which is neutral and non-polar, at codon 418 of the TSC1 protein (p.Pro418Leu). This variant is not present in population databases (gnomAD no frequency). This variant has not been reported in the literature in individuals affected with TSC1-related conditions. ClinVar contains an entry for this variant (Variation ID: 1723625). Invitae Evidence Modeling of protein sequence and biophysical properties (such as structural, functional, and spatial information, amino acid conservation, physicochemical variation, residue mobility, and thermodynamic stability) indicates that this missense variant is not expected to disrupt TSC1 protein function with a negative predictive value of 95%. In summary, the available evidence is currently insufficient to determine the role of this variant in disease. Therefore, it has been classified as a Variant of Uncertain Significance.

GeneDx
Classification: Uncertain significance. Last evaluated: 2022-05-10. Review status: criteria provided, single submitter. Criteria: GeneDx Variant Classification Process June 2021. Collection method: clinical testing. Allele origin: germline. Affected: yes.
Comment: Not observed at significant frequency in large population cohorts (gnomAD); In silico analysis supports that this missense variant does not alter protein structure/function; Has not been previously published as pathogenic or benign to our knowledge

NM_000368.5(TSC1):c.1253C>T (p.Pro418Leu)

Gene: TSC1 (TSC complex subunit 1; minus strand). Cytogenetic location: 9q34.13.
Variant type: single nucleotide variant.
Coding change: c.1253C>T on transcript NM_000368.5 (MANE Select); coding-DNA position 1253, C replaced by T.
Protein change: p.Pro418Leu; replaces proline 418 with leucine.
Molecular consequence: missense variant.
Genome position (GRCh38, 1-based): chr9:132,910,581, G>A on the plus strand (C>T on the coding strand, the complement: TSC1 is on the minus strand). VCF-style: chr9-132910581-G-A. GRCh37 (hg19) VCF-style: chr9-135785968-G-A.
Other names: c.1250C>T, p.Pro417Leu (NM_001162426.2, NM_001406597.1, NM_001406598.1 and 6 more transcripts); c.1100C>T, p.Pro367Leu (NM_001162427.2, NM_001406610.1); c.890C>T, p.Pro297Leu (NM_001362177.2, NM_001406614.1, NM_001406615.1 and 5 more transcripts); c.1253C>T, p.Pro418Leu (NM_001406592.1, NM_001406593.1, NM_001406594.1 and 7 more transcripts); c.1097C>T, p.Pro366Leu (NM_001406611.1, NM_001406612.1, NM_001406613.1); c.200C>T, p.Pro67Leu (NM_001406629.1, NM_001406630.1); c.887C>T, p.Pro296Leu (NM_001406620.1, NM_001406621.1, NM_001406622.1 and 2 more transcripts); c.302C>T, p.Pro101Leu (NM_001406626.1); and 1 more; short protein forms P100L, P101L, P296L, P297L, P366L, P367L, P417L, P418L.
Identifiers: ClinVar variation 1723625 (VCV001723625.6), dbSNP rs997339959, ClinGen allele CA200893799.